The following is an entry in ClinVar:

NM_000875.5(IGF1R):c.2692C>T (p.Pro898Ser)

Gene: IGF1R (insulin like growth factor 1 receptor; plus strand). Cytogenetic location: 15q26.3.
Variant type: single nucleotide variant.
Coding change: c.2692C>T on transcript NM_000875.5 (MANE Select); coding-DNA position 2692, C replaced by T.
Protein change: p.Pro898Ser; replaces proline 898 with serine.
Molecular consequence: missense variant.
Genome position (GRCh38, 1-based): chr15:98,924,594, C>T. VCF-style: chr15-98924594-C-T. GRCh37 (hg19) VCF-style: chr15-99467823-C-T.
Other names: c.2692C>T, p.Pro898Ser (NM_001291858.2); short protein forms P898S.
Identifiers: ClinVar variation 4771142 (VCV004771142.1).

ClinVar aggregate classification (germline): Uncertain significance (1 of 4 stars; one submission).

gnomAD v4.1: 2 of 1,613,890 alleles (0.00012%); highest among the groups gnomAD compares: African/African-American, 0.0027%; no homozygotes.

Submission:

Labcorp Genetics (formerly Invitae), Labcorp
Classification: Uncertain significance. Last evaluated: 2025-07-02. Review status: criteria provided, single submitter. Criteria: Invitae Variant Classification Sherloc (09022015). Collection method: clinical testing. Allele origin: germline.
Comment: This sequence change replaces proline, which is neutral and non-polar, with serine, which is neutral and polar, at codon 898 of the IGF1R protein (p.Pro898Ser). This variant is present in population databases (rs138028599, gnomAD 0.01%). This variant has not been reported in the literature in individuals affected with IGF1R-related conditions. Invitae Evidence Modeling of protein sequence and biophysical properties (such as structural, functional, and spatial information, amino acid conservation, physicochemical variation, residue mobility, and thermodynamic stability) indicates that this missense variant is not expected to disrupt IGF1R protein function with a negative predictive value of 80%. In summary, the available evidence is currently insufficient to determine the role of this variant in disease. Therefore, it has been classified as a Variant of Uncertain Significance.